The following is an entry in ClinVar:

ClinVar aggregate classification (germline): Likely benign (1 of 4 stars; one submission).

Submission:

CeGaT Center for Human Genetics Tuebingen
Classification: Likely benign. Last evaluated: 2025-09-01. Review status: criteria provided, single submitter. Criteria: CeGaT Center For Human Genetics Tuebingen Variant Classification Criteria Version 2. Collection method: clinical testing. Allele origin: germline. Affected: yes. Observed: 1 variant allele.
Comment: PLIN4: PM2:Supporting, BP4, BP7

NM_001367868.2(PLIN4):c.1026T>G (p.Thr342=)

Gene: PLIN4 (perilipin 4; minus strand). Cytogenetic location: 19p13.3.
Variant type: single nucleotide variant.
Coding change: c.1026T>G on transcript NM_001367868.2 (MANE Select); coding-DNA position 1026, T replaced by G.
Protein change: p.Thr342=; no amino-acid change (threonine 342 retained).
Molecular consequence: synonymous variant.
Genome position (GRCh38, 1-based): chr19:4,512,934, A>C on the plus strand (T>G on the coding strand, the complement: PLIN4 is on the minus strand). VCF-style: chr19-4512934-A-C. GRCh37 (hg19) VCF-style: chr19-4512946-A-C.
Other names: c.1029T>G, p.Thr343= (NM_001393888.1, NM_001393889.1); c.1026T>G, p.Thr342= (NM_001393890.1, NM_001393891.1).
Identifiers: ClinVar variation 4084274 (VCV004084274.8).